The following is an entry in ClinVar:

ClinVar aggregate classification (germline): Uncertain significance. Review status: criteria provided, multiple submitters, no conflicts (2 of 4 stars). 2 submissions from 2 submitters: Uncertain significance (2). Last evaluated 2025-05-12.

gnomAD v4.1: 29 of 1,613,882 alleles (0.0018%); highest among the groups gnomAD compares: Middle Eastern, 0.016%; no homozygotes.

Submissions (2):

Labcorp Genetics (formerly Invitae), Labcorp
Classification: Uncertain significance. Last evaluated: 2025-05-12. Review status: criteria provided, single submitter. Criteria: Invitae Variant Classification Sherloc (09022015). Collection method: clinical testing. Allele origin: germline.
Comment: This sequence change replaces arginine, which is basic and polar, with cysteine, which is neutral and slightly polar, at codon 382 of the RPS6KC1 protein (p.Arg382Cys). This variant is present in population databases (rs375560038, gnomAD 0.003%). This variant has not been reported in the literature in individuals affected with RPS6KC1-related conditions. ClinVar contains an entry for this variant (Variation ID: 3435385). An algorithm developed to predict the effect of missense changes on protein structure and function (PolyPhen-2) suggests that this variant is likely to be disruptive. In summary, the available evidence is currently insufficient to determine the role of this variant in disease. Therefore, it has been classified as a Variant of Uncertain Significance.

Ambry Genetics
Classification: Uncertain significance. Last evaluated: 2024-11-25. Review status: criteria provided, single submitter. Criteria: Ambry Variant Classification Scheme 2023. Collection method: clinical testing. Allele origin: germline.

NM_012424.6(RPS6KC1):c.1144C>T (p.Arg382Cys)

Gene: RPS6KC1 (ribosomal protein S6 kinase C1; plus strand). Cytogenetic location: 1q32.3.
Variant type: single nucleotide variant.
Coding change: c.1144C>T on transcript NM_012424.6 (MANE Select); coding-DNA position 1144, C replaced by T.
Protein change: p.Arg382Cys; replaces arginine 382 with cysteine.
Molecular consequence: missense variant. On other transcripts: non-coding transcript variant (3), intron variant (11).
Genome position (GRCh38, 1-based): chr1:213,232,174, C>T. VCF-style: chr1-213232174-C-T. GRCh37 (hg19) VCF-style: chr1-213405517-C-T.
Other names: c.1108C>T, p.Arg370Cys (NM_001136138.4); c.508C>T, p.Arg170Cys (NM_001287218.3, NM_001287219.3, NM_001349654.2); c.601C>T, p.Arg201Cys (NM_001287221.3, NM_001349648.2, NM_001349649.2 and 4 more transcripts); c.1051C>T, p.Arg351Cys (NM_001349646.2); c.781C>T, p.Arg261Cys (NM_001349647.2); c.253C>T, p.Arg85Cys (NM_001349657.2, NM_001349658.2); c.88C>T, p.Arg30Cys (NM_001349659.2, NM_001349660.2, NM_001349661.2 and 1 more transcripts); c.-170-8528C>T (NM_001349669.2, NM_001349666.2, NM_001349664.2 and 8 more transcripts); short protein forms R370C, R201C, R261C, R382C, R170C, R30C, R351C, R85C.
Identifiers: ClinVar variation 3435385 (VCV003435385.2).
Genomic context (GRCh38, chr1:213,232,174, plus strand): 5'-CTCTGTCAGGGTCTAAGGAAAAGCAGTGAATACAGCAGGAACAGAAAGACCATCATCCCC[C>T]GCTGTGTGCCCAACATGGTGTGTCTGCATAAGTACATCATCTCTGAGGAGTCAGTATTTC-3'
Protein context (NP_036556.2, residues 372-392): YSRNRKTIIP[Arg382Cys]CVPNMVCLHK